The following is an entry in ClinVar:

NM_001369.3(DNAH5):c.4287T>G (p.Tyr1429Ter)

Genes: DNAH5 (dynein axonemal heavy chain 5; minus strand), DNAH5-AS1 (DNAH5 antisense RNA 1; plus strand). Cytogenetic location: 5p15.2.
Variant type: single nucleotide variant.
Coding change: c.4287T>G on transcript NM_001369.3 (MANE Select); coding-DNA position 4287, T replaced by G.
Protein change: p.Tyr1429Ter; replaces tyrosine 1429 with a stop codon.
Molecular consequence: nonsense.
Genome position (GRCh38, 1-based): chr5:13,865,736, A>C on the plus strand (T>G on the coding strand, the complement: DNAH5 is on the minus strand). VCF-style: chr5-13865736-A-C. GRCh37 (hg19) VCF-style: chr5-13865845-A-C.
Other names: short protein forms Y1429*.
Identifiers: ClinVar variation 4066759 (VCV004066759.2).
Genomic context (GRCh38, chr5:13,865,736, plus strand): 5'-GAATTCTAAGAGTTCATTGTTAATTTTTTCAATATTCACCTCTGACCAAAGAATATCATA[A>C]TAGCTATTTACAGTTTCTATGACACTGTTGTACAGAGTATATATTTTCTGTAGAAGATTT-3'

ClinVar aggregate classification (germline): Likely pathogenic (1 of 4 stars; one submission).

Conditions:
Primary ciliary dyskinesia. Also called: Ciliary dyskinesia. Identifiers: Orphanet 244, MedGen C0008780, MONDO:0016575, HP:0012265.

Submission:

Natera, Inc.
Classification: Likely pathogenic for Primary ciliary dyskinesia. Last evaluated: 2025-03-01. Review status: criteria provided, single submitter. Criteria: Natera Variant Classification Schema (03/2026). Collection method: clinical testing. Allele origin: germline.
Comment: The c.4287T>G variant in DNAH5 is a nonsense variant predicted to introduce a stop codon at amino acid 1429. This variant is expected to result in nonsense mediated decay, truncation, or a dysfunctional protein product. This variant is rare in the general population with a frequency below the threshold expected for the associated phenotype(s). Given the available evidence, this variant is classified as Likely Pathogenic.